The following is an entry in ClinVar:

NM_001042492.3(NF1):c.6350C>T (p.Ser2117Phe)

Gene: NF1 (neurofibromin 1; plus strand). Cytogenetic location: 17q11.2.
Variant type: single nucleotide variant.
Coding change: c.6350C>T on transcript NM_001042492.3 (MANE Select); coding-DNA position 6350, C replaced by T.
Protein change: p.Ser2117Phe; replaces serine 2117 with phenylalanine.
Molecular consequence: missense variant.
Genome position (GRCh38, 1-based): chr17:31,336,837, C>T. VCF-style: chr17-31336837-C-T. GRCh37 (hg19) VCF-style: chr17-29663855-C-T.
Other names: c.6287C>T, p.Ser2096Phe (NM_000267.4); short protein forms S2117F, S2096F.
Identifiers: ClinVar variation 3404903 (VCV003404903.3).

ClinVar aggregate classification (germline): Uncertain significance. Review status: criteria provided, multiple submitters, no conflicts (2 of 4 stars). 2 submissions from 2 submitters: Uncertain significance (2). Last evaluated 2024-11-05.

Conditions:
Neurofibromatosis, type 1 (NF1). Also called: NEUROFIBROMATOSIS, TYPE I, SOMATIC; Neurofibromatosis, type I; Peripheral type neurofibromatosis; VON RECKLINGHAUSEN DISEASE. Identifiers: Orphanet 636, MedGen C0027831, MONDO:0018975, OMIM 162200. Disease mechanism: loss of function.
Hereditary cancer-predisposing syndrome. Also called: Hereditary Cancer Syndrome; Hereditary neoplastic syndrome; Neoplastic Syndromes, Hereditary; Tumor predisposition. Identifiers: Orphanet 140162, MedGen C0027672, MeSH D009386, MONDO:0015356.
Cardiovascular phenotype. Identifiers: MedGen CN230736.

Submissions (2):

Ambry Genetics
Classification: Uncertain significance for Cardiovascular phenotype; Hereditary cancer-predisposing syndrome. Last evaluated: 2024-11-05. Review status: criteria provided, single submitter. Criteria: Ambry Variant Classification Scheme 2023. Collection method: clinical testing. Allele origin: germline.
Comment: The p.S2096F variant (also known as c.6287C>T), located in coding exon 41 of the NF1 gene, results from a C to T substitution at nucleotide position 6287. The serine at codon 2096 is replaced by phenylalanine, an amino acid with highly dissimilar properties. This amino acid position is conserved. In addition, this alteration is predicted to be deleterious by in silico analysis. Based on the available evidence, the clinical significance of this variant remains unclear.

Labcorp Genetics (formerly Invitae), Labcorp
Classification: Uncertain significance for Neurofibromatosis, type 1. Last evaluated: 2024-06-22. Review status: criteria provided, single submitter. Criteria: Invitae Variant Classification Sherloc (09022015). Collection method: clinical testing. Allele origin: germline.
Comment: This sequence change replaces serine, which is neutral and polar, with phenylalanine, which is neutral and non-polar, at codon 2096 of the NF1 protein (p.Ser2096Phe). This variant is not present in population databases (gnomAD no frequency). This variant has not been reported in the literature in individuals affected with NF1-related conditions. Advanced modeling of protein sequence and biophysical properties (such as structural, functional, and spatial information, amino acid conservation, physicochemical variation, residue mobility, and thermodynamic stability) performed at Invitae indicates that this missense variant is expected to disrupt NF1 protein function with a positive predictive value of 95%. In summary, the available evidence is currently insufficient to determine the role of this variant in disease. Therefore, it has been classified as a Variant of Uncertain Significance.